The following is an entry in ClinVar:

NM_206933.4(USH2A):c.12294+2T>C

Gene: USH2A (usherin; minus strand). Cytogenetic location: 1q41.
Variant type: single nucleotide variant.
Coding change: c.12294+2T>C on transcript NM_206933.4 (MANE Select); the canonical splice donor site of the intron after coding-DNA position 12294, T replaced by C.
Molecular consequence: splice donor variant.
Genome position (GRCh38, 1-based): chr1:215,680,147, A>G on the plus strand (T>C on the coding strand, the complement: USH2A is on the minus strand). VCF-style: chr1-215680147-A-G. GRCh37 (hg19) VCF-style: chr1-215853489-A-G.
Identifiers: ClinVar variation 1389808 (VCV001389808.6), dbSNP rs2102671641, ClinGen allele CA344815722.

ClinVar aggregate classification (germline): Pathogenic (1 of 4 stars; one submission).

Submission:

Labcorp Genetics (formerly Invitae), Labcorp
Classification: Pathogenic. Last evaluated: 2022-06-05. Review status: criteria provided, single submitter. Criteria: Invitae Variant Classification Sherloc (09022015). Collection method: clinical testing. Allele origin: germline.
Comment: For these reasons, this variant has been classified as Pathogenic. Algorithms developed to predict the effect of sequence changes on RNA splicing suggest that this variant may disrupt the consensus splice site. ClinVar contains an entry for this variant (Variation ID: 1389808). Disruption of this splice site has been observed in individuals with retinitis pigmentosa and/or Usher syndrome (PMID: 28157192; Invitae). This variant is not present in population databases (gnomAD no frequency). This sequence change affects a donor splice site in intron 62 of the USH2A gene. It is expected to disrupt RNA splicing. Variants that disrupt the donor or acceptor splice site typically lead to a loss of protein function (PMID: 16199547), and loss-of-function variants in USH2A are known to be pathogenic (PMID: 10729113, 10909849, 20507924, 25649381).

Literature cited by the submitters: PubMed 28157192; PubMed 16199547; PubMed 10729113; PubMed 10909849; PubMed 20507924; PubMed 25649381.